The following is an entry in ClinVar:

NM_000057.4(BLM):c.899T>C (p.Phe300Ser)

Gene: BLM (BLM RecQ like helicase; plus strand). Cytogenetic location: 15q26.1.
Variant type: single nucleotide variant.
Coding change: c.899T>C on transcript NM_000057.4 (MANE Select); coding-DNA position 899, T replaced by C.
Protein change: p.Phe300Ser; replaces phenylalanine 300 with serine.
Molecular consequence: missense variant. On other transcripts: 5 prime UTR variant (1).
Genome position (GRCh38, 1-based): chr15:90,751,886, T>C. VCF-style: chr15-90751886-T-C. GRCh37 (hg19) VCF-style: chr15-91295116-T-C.
Other names: c.899T>C, p.Phe300Ser (NM_001287246.2, NM_001287247.2); c.-393T>C (NM_001287248.2); short protein forms F300S.
Identifiers: ClinVar variation 2149901 (VCV002149901.6), dbSNP rs2505400195, ClinGen allele CA393841840.

ClinVar aggregate classification (germline): Uncertain significance. Review status: criteria provided, multiple submitters, no conflicts (2 of 4 stars). 2 submissions from 2 submitters: Uncertain significance (2). Last evaluated 2024-05-29.

Conditions:
Hereditary cancer-predisposing syndrome. Also called: Tumor predisposition; Hereditary neoplastic syndrome; Hereditary Cancer Syndrome; Neoplastic Syndromes, Hereditary. Identifiers: Orphanet 140162, MedGen C0027672, MeSH D009386, MONDO:0015356.
Bloom syndrome (BLM). Also called: Bloom-Torre-Machacek syndrome. Identifiers: Orphanet 125, MedGen C0005859, MONDO:0008876, OMIM 210900.

Submissions (2):

Labcorp Genetics (formerly Invitae), Labcorp
Classification: Uncertain significance for Bloom syndrome. Last evaluated: 2024-05-29. Review status: criteria provided, single submitter. Criteria: Invitae Variant Classification Sherloc (09022015). Collection method: clinical testing. Allele origin: germline.
Comment: This sequence change replaces phenylalanine, which is neutral and non-polar, with serine, which is neutral and polar, at codon 300 of the BLM protein (p.Phe300Ser). This variant is not present in population databases (gnomAD no frequency). This variant has not been reported in the literature in individuals affected with BLM-related conditions. ClinVar contains an entry for this variant (Variation ID: 2149901). Advanced modeling of protein sequence and biophysical properties (such as structural, functional, and spatial information, amino acid conservation, physicochemical variation, residue mobility, and thermodynamic stability) performed at Invitae indicates that this missense variant is not expected to disrupt BLM protein function with a negative predictive value of 80%. In summary, the available evidence is currently insufficient to determine the role of this variant in disease. Therefore, it has been classified as a Variant of Uncertain Significance.

Ambry Genetics
Classification: Uncertain significance for Hereditary cancer-predisposing syndrome. Last evaluated: 2023-03-08. Review status: criteria provided, single submitter. Criteria: Ambry Variant Classification Scheme 2023. Collection method: clinical testing. Allele origin: germline.
Comment: The p.F300S variant (also known as c.899T>C), located in coding exon 3 of the BLM gene, results from a T to C substitution at nucleotide position 899. The phenylalanine at codon 300 is replaced by serine, an amino acid with highly dissimilar properties. This amino acid position is conserved. In addition, this alteration is predicted to be tolerated by in silico analysis. Since supporting evidence is limited at this time, the clinical significance of this alteration remains unclear.